The following is an entry in ClinVar:

NM_002582.4(PARN):c.620+3_620+4delinsAG

Gene: PARN (poly(A)-specific ribonuclease; minus strand). Cytogenetic location: 16p13.12.
Variant type: Indel.
Coding change: c.620+3_620+4delinsAG on transcript NM_002582.4 (MANE Select); bases 3 to 4 of the intron after coding-DNA position 620, TA replaced by AG.
Molecular consequence: intron variant.
Genome position (GRCh38, 1-based): chr16:14,609,054-14,609,055, TA replaced by CT on the plus strand (TA replaced by AG on the coding strand, the reverse complement: PARN is on the minus strand). VCF-style: chr16-14609054-TA-CT. GRCh37 (hg19) VCF-style: chr16-14702911-TA-CT.
Other names: c.437+3_437+4delinsAG (NM_001134477.3); c.482+3_482+4delinsAG (NM_001242992.2).
Identifiers: ClinVar variation 945323 (VCV000945323.8), dbSNP rs1971361914, ClinGen allele CA1139664551.

ClinVar aggregate classification (germline): Uncertain significance (1 of 4 stars; one submission).

Conditions:
Dyskeratosis congenita, autosomal recessive 6 (DKCB6). Identifiers: MedGen C4225356, MONDO:0014600, OMIM 616353.
Pulmonary fibrosis and/or bone marrow failure, Telomere-related, 4. Also called: PULMONARY FIBROSIS AND/OR BONE MARROW FAILURE SYNDROME, TELOMERE-RELATED, 4. Identifiers: Orphanet 2032, MedGen C4225347, MONDO:0014612, OMIM 616371.

Submission:

Labcorp Genetics (formerly Invitae), Labcorp
Classification: Uncertain significance for Dyskeratosis congenita, autosomal recessive 6; Pulmonary fibrosis and/or bone marrow failure, Telomere-related, 4. Last evaluated: 2019-06-24. Review status: criteria provided, single submitter. Criteria: Invitae Variant Classification Sherloc (09022015). Collection method: clinical testing. Allele origin: germline.
Comment: This sequence change falls in intron 8 of the PARN gene. It does not directly change the encoded amino acid sequence of the PARN protein, but it affects a nucleotide within the consensus splice site of the intron. This variant is not present in population databases (ExAC no frequency). This variant has not been reported in the literature in individuals with PARN-related conditions. Nucleotide substitutions within the consensus splice site are a relatively common cause of aberrant splicing (PMID: 17576681, 9536098). Algorithms developed to predict the effect of sequence changes on RNA splicing suggest that this variant may create or strengthen a splice site, but this prediction has not been confirmed by published transcriptional studies. In summary, the available evidence is currently insufficient to determine the role of this variant in disease. Therefore, it has been classified as a Variant of Uncertain Significance.

Literature cited by the submitters: PubMed 17576681; PubMed 9536098.